The following is an entry in ClinVar:

NM_000179.3(MSH6):c.4007T>A (p.Val1336Asp)

Gene: MSH6 (mutS homolog 6; plus strand). Cytogenetic location: 2p16.3.
Variant type: single nucleotide variant.
Coding change: c.4007T>A on transcript NM_000179.3 (MANE Select); coding-DNA position 4007, T replaced by A.
Protein change: p.Val1336Asp; replaces valine 1336 with aspartic acid.
Molecular consequence: missense variant. On other transcripts: 3 prime UTR variant (1), synonymous variant (3), non-coding transcript variant (5).
Genome position (GRCh38, 1-based): chr2:47,806,784, T>A. VCF-style: chr2-47806784-T-A. GRCh37 (hg19) VCF-style: chr2-48033923-T-A.
Other names: c.3617T>A, p.Val1206Asp (NM_001281492.2); c.3101T>A, p.Val1034Asp (NM_001281493.2, NM_001281494.2, NM_001406811.1 and 6 more transcripts); c.4103T>A, p.Val1368Asp (NM_001406795.1); c.4007T>A, p.Val1336Asp (NM_001406796.1, NM_001406809.1); c.3710T>A, p.Val1237Asp (NM_001406797.1, NM_001406805.1, NM_001406818.1 and 8 more transcripts); c.3833T>A, p.Val1278Asp (NM_001406798.1); c.3482T>A, p.Val1161Asp (NM_001406799.1, NM_001406806.1, NM_001406807.1); c.*28T>A (NM_001406800.1); and 11 more; short protein forms V1237D, V1278D, V1368D, V285D, V1048D, V814D, V1034D, V1161D.
Identifiers: ClinVar variation 3398913 (VCV003398913.2).

ClinVar aggregate classification (germline): Uncertain significance. Review status: criteria provided, multiple submitters, no conflicts (2 of 4 stars). 2 submissions from 2 submitters: Uncertain significance (2). Last evaluated 2025-12-29.

Conditions:
Hereditary cancer-predisposing syndrome. Also called: Hereditary Cancer Syndrome; Tumor predisposition; Hereditary neoplastic syndrome; Neoplastic Syndromes, Hereditary. Identifiers: Orphanet 140162, MedGen C0027672, MeSH D009386, MONDO:0015356.

Submissions (2):

Center for Genomic Medicine, Rigshospitalet, Copenhagen University Hospital
Classification: Uncertain significance. Last evaluated: 2025-12-29. Review status: criteria provided, single submitter. Criteria: ACMG Guidelines, 2015. Collection method: clinical testing. Allele origin: germline.
Comment: Classification criteria: PM2_supporting

Ambry Genetics
Classification: Uncertain significance for Hereditary cancer-predisposing syndrome. Last evaluated: 2024-09-06. Review status: criteria provided, single submitter. Criteria: Ambry Variant Classification Scheme 2023. Collection method: clinical testing. Allele origin: germline.
Comment: The p.V1336D variant (also known as c.4007T>A), located in coding exon 10 of the MSH6 gene, results from a T to A substitution at nucleotide position 4007. The valine at codon 1336 is replaced by aspartic acid, an amino acid with highly dissimilar properties. This amino acid position is conserved. In addition, the in silico prediction for this alteration is inconclusive. Based on the available evidence, the clinical significance of this variant remains unclear.